The following is an entry in ClinVar:

ClinVar aggregate classification (germline): Uncertain significance (1 of 4 stars; one submission).

Allele frequency attached by ClinVar (database versions not stated): gnomAD exomes below 0.00001; TOPMed below 0.00001.
gnomAD v4.1: 6 of 1,614,170 alleles (0.00037%); highest among the groups gnomAD compares: South Asian, 0.0033%; no homozygotes.

Submission:

Labcorp Genetics (formerly Invitae), Labcorp
Classification: Uncertain significance. Last evaluated: 2023-08-04. Review status: criteria provided, single submitter. Criteria: Invitae Variant Classification Sherloc (09022015). Collection method: clinical testing. Allele origin: germline.
Comment: This sequence change replaces asparagine, which is neutral and polar, with serine, which is neutral and polar, at codon 117 of the LIPG protein (p.Asn117Ser). This variant is not present in population databases (gnomAD no frequency). This variant has not been reported in the literature in individuals affected with LIPG-related conditions. An algorithm developed to predict the effect of missense changes on protein structure and function (PolyPhen-2) suggests that this variant is likely to be disruptive. In summary, the available evidence is currently insufficient to determine the role of this variant in disease. Therefore, it has been classified as a Variant of Uncertain Significance.

NM_006033.4(LIPG):c.350A>G (p.Asn117Ser)

Gene: LIPG (lipase G, endothelial type; plus strand). Cytogenetic location: 18q21.1.
Variant type: single nucleotide variant.
Coding change: c.350A>G on transcript NM_006033.4 (MANE Select); coding-DNA position 350, A replaced by G.
Protein change: p.Asn117Ser; replaces asparagine 117 with serine.
Molecular consequence: missense variant.
Genome position (GRCh38, 1-based): chr18:49,567,512, A>G. VCF-style: chr18-49567512-A-G. GRCh37 (hg19) VCF-style: chr18-47093882-A-G.
Other names: c.350A>G, p.Asn117Ser (NM_001308006.2); short protein forms N117S.
Identifiers: ClinVar variation 2909479 (VCV002909479.3), dbSNP rs2084619274, ClinGen allele CA402418529.
Genomic context (GRCh38, chr18:49,567,512, plus strand): 5'-TCTTTGAAAACTGGCTGCACAAACTCGTGTCAGCCCTGCACACAAGAGAGAAAGACGCCA[A>G]TGTAGTTGTGGTTGACTGGCTCCCCCTGGCCCACCAGCTTTACACGGATGCGGTCAATAA-3'
Protein context (NP_006024.1, residues 107-127): SALHTREKDA[Asn117Ser]VVVVDWLPLA